The following is an entry in ClinVar:

ClinVar aggregate classification (germline): Uncertain significance (1 of 4 stars; one submission).

gnomAD v4.1: 1 of 1,557,308 alleles (0.000064%); highest among the groups gnomAD compares: South Asian, 0.0012%; no homozygotes.

Submission:

GeneDx
Classification: Uncertain significance. Last evaluated: 2023-11-06. Review status: criteria provided, single submitter. Criteria: GeneDx Variant Classification Process June 2021. Collection method: clinical testing. Allele origin: germline. Affected: yes.
Comment: Not observed at significant frequency in large population cohorts (gnomAD); In silico analysis supports that this missense variant does not alter protein structure/function; Has not been previously published as pathogenic or benign to our knowledge

NM_052876.4(NACC1):c.583G>A (p.Gly195Ser)

Gene: NACC1 (nucleus accumbens associated 1; plus strand). Cytogenetic location: 19p13.13.
Variant type: single nucleotide variant.
Coding change: c.583G>A on transcript NM_052876.4 (MANE Select); coding-DNA position 583, G replaced by A.
Protein change: p.Gly195Ser; replaces glycine 195 with serine.
Molecular consequence: missense variant.
Genome position (GRCh38, 1-based): chr19:13,135,790, G>A. VCF-style: chr19-13135790-G-A. GRCh37 (hg19) VCF-style: chr19-13246604-G-A.
Other names: short protein forms G195S.
Identifiers: ClinVar variation 3363978 (VCV003363978.1).